The following is an entry in ClinVar:

NM_017841.4(SDHAF2):c.189dup (p.Glu64fs)

Gene: SDHAF2 (succinate dehydrogenase complex assembly factor 2; plus strand). Cytogenetic location: 11q12.2.
Variant type: Duplication.
Coding change: c.189dup on transcript NM_017841.4 (MANE Select); coding-DNA position 189, one base duplicated (A; older notation c.189dupA).
Protein change: p.Glu64fs; shifts the reading frame from glutamic acid 64.
Molecular consequence: frameshift variant.
Genome position (GRCh38, 1-based): chr11:61,437,777, A duplicated. VCF-style (leftmost placement, unchanged base first): chr11-61437776-T-TA. GRCh37 (hg19) VCF-style: chr11-61205248-T-TA.
Other names: c.189dupA (NM_017841.2); short protein forms E64fs.
Identifiers: ClinVar variation 1782242 (VCV001782242.2), dbSNP rs2540124290, ClinGen allele CA2580084358.

ClinVar aggregate classification (germline): Pathogenic (1 of 4 stars; one submission).

Conditions:
Hereditary cancer-predisposing syndrome. Also called: Neoplastic Syndromes, Hereditary; Tumor predisposition; Hereditary Cancer Syndrome; Hereditary neoplastic syndrome. Identifiers: Orphanet 140162, MedGen C0027672, MeSH D009386, MONDO:0015356.

Submission:

Ambry Genetics
Classification: Pathogenic for Hereditary cancer-predisposing syndrome. Last evaluated: 2022-06-24. Review status: criteria provided, single submitter. Criteria: Ambry Variant Classification Scheme 2023. Collection method: clinical testing. Allele origin: germline.
Comment: The c.189dupA pathogenic mutation, located in coding exon 2 of the SDHAF2 gene, results from a duplication of A at nucleotide position 189, causing a translational frameshift with a predicted alternate stop codon (p.E64Rfs*10). This alteration has been observed in at least one individual with a personal and/or family history that is consistent with SDHAF2-related disease (Ambry internal data). This variant is considered to be rare based on population cohorts in the Genome Aggregation Database (gnomAD). This alteration is expected to result in loss of function by premature protein truncation or nonsense-mediated mRNA decay. As such, this alteration is interpreted as a disease-causing mutation.